The following is an entry in ClinVar:

NM_006864.4(LILRB3):c.1095A>G (p.Pro365=)

Genes: LILRA6 (leukocyte immunoglobulin like receptor A6; minus strand), LILRB3 (leukocyte immunoglobulin like receptor B3; minus strand). Cytogenetic location: 19q13.42.
Variant type: single nucleotide variant.
Coding change: c.1095A>G on transcript NM_006864.4 (MANE Select); coding-DNA position 1095, A replaced by G.
Protein change: p.Pro365=; no amino-acid change (proline 365 retained).
Molecular consequence: synonymous variant. On other transcripts: non-coding transcript variant (4).
Genome position (GRCh38, 1-based): chr19:54,220,691, T>C on the plus strand (A>G on the coding strand, the complement: LILRB3 is on the minus strand). VCF-style: chr19-54220691-T-C. GRCh37 (hg19) VCF-style: chr19-54724561-T-C.
Other names: c.1095A>G, p.Pro365= (NM_001081450.3, NM_001320960.2).
Identifiers: ClinVar variation 2650429 (VCV002650429.24), dbSNP rs756849617, ClinGen allele CA309400963.

ClinVar aggregate classification (germline): Likely benign (1 of 4 stars; one submission).

Allele frequency attached by ClinVar (database versions not stated): ExAC 0.00004.

Submission:

CeGaT Center for Human Genetics Tuebingen
Classification: Likely benign. Last evaluated: 2022-04-01. Review status: criteria provided, single submitter. Criteria: CeGaT Center For Human Genetics Tuebingen Variant Classification Criteria Version 2. Collection method: clinical testing. Allele origin: germline. Affected: yes. Observed: 1 variant allele.
Comment: LILRA6: BP4, BP7; LILRB3: BP4, BP7